The following is an entry in ClinVar:

NM_000379.4(XDH):c.3260A>G (p.Asn1087Ser)

Gene: XDH (xanthine dehydrogenase; minus strand). Cytogenetic location: 2p23.1.
Variant type: single nucleotide variant.
Coding change: c.3260A>G on transcript NM_000379.4 (MANE Select); coding-DNA position 3260, A replaced by G.
Protein change: p.Asn1087Ser; replaces asparagine 1087 with serine.
Molecular consequence: missense variant.
Genome position (GRCh38, 1-based): chr2:31,347,538, T>C on the plus strand (A>G on the coding strand, the complement: XDH is on the minus strand). VCF-style: chr2-31347538-T-C. GRCh37 (hg19) VCF-style: chr2-31570404-T-C.
Other names: short protein forms N1087S.
Identifiers: ClinVar variation 642139 (VCV000642139.7), dbSNP rs370788512, ClinGen allele CA1598486.

ClinVar aggregate classification (germline): Uncertain significance. Review status: criteria provided, multiple submitters, no conflicts (2 of 4 stars). 2 submissions from 2 submitters: Uncertain significance (2). Last evaluated 2021-09-24.

Conditions:
Hereditary xanthinuria type 1 (XAN1). Identifiers: Orphanet 3467, Orphanet 93601, MedGen C0268118, MONDO:0010209, OMIM 278300.
Xanthinuria type II. Also called: Xanthine dehydrogenase and aldehyde oxidase combined deficiency of; XDH and AOX dual deficiency. Identifiers: Orphanet 3467, Orphanet 93602, MedGen C1863688, MONDO:0011346, OMIM 603592.

Allele frequency attached by ClinVar (database versions not stated): gnomAD exomes 0.00003 and 0.00006; gnomAD 0.00004 and 0.00006; TOPMed 0.00004; ESP Exome Variant Server 0.00008; ExAC 0.00010; 1000 Genomes Project 30x 0.00016; 1000 Genomes Project 0.00020.
gnomAD v4.1: 45 of 1,613,988 alleles (0.0028%); highest among the groups gnomAD compares: East Asian, 0.04%; no homozygotes.

Submissions (2):

Fulgent Genetics
Classification: Uncertain significance for Hereditary xanthinuria type 1. Last evaluated: 2021-09-24. Review status: criteria provided, single submitter. Criteria: ACMG Guidelines, 2015. Collection method: clinical testing. Allele origin: unknown.

Labcorp Genetics (formerly Invitae), Labcorp
Classification: Uncertain significance for Xanthinuria type II. Last evaluated: 2021-09-01. Review status: criteria provided, single submitter. Criteria: Invitae Variant Classification Sherloc (09022015). Collection method: clinical testing. Allele origin: germline.
Comment: This sequence change replaces asparagine with serine at codon 1087 of the XDH protein (p.Asn1087Ser). The asparagine residue is highly conserved and there is a small physicochemical difference between asparagine and serine. This variant is present in population databases (rs370788512, ExAC 0.08%). This variant has not been reported in the literature in individuals affected with XDH-related conditions. Algorithms developed to predict the effect of missense changes on protein structure and function are either unavailable or do not agree on the potential impact of this missense change (SIFT: "Deleterious"; PolyPhen-2: "Probably Damaging"; Align-GVGD: "Class C0"). Algorithms developed to predict the effect of sequence changes on RNA splicing suggest that this variant may create or strengthen a splice site. In summary, the available evidence is currently insufficient to determine the role of this variant in disease. Therefore, it has been classified as a Variant of Uncertain Significance.